The following is an entry in ClinVar:

NM_002063.4(GLRA2):c.919T>C (p.Ser307Pro)

Gene: GLRA2 (glycine receptor alpha 2; plus strand). Cytogenetic location: Xp22.2.
Variant type: single nucleotide variant.
Coding change: c.919T>C on transcript NM_002063.4 (MANE Select); coding-DNA position 919, T replaced by C.
Protein change: p.Ser307Pro; replaces serine 307 with proline.
Molecular consequence: missense variant.
Genome position (GRCh38, 1-based): chrX:14,609,194, T>C. VCF-style: chrX-14609194-T-C. GRCh37 (hg19) VCF-style: chrX-14627316-T-C.
Other names: c.919T>C, p.Ser307Pro (NM_001118885.2, NM_001118886.2); c.652T>C, p.Ser218Pro (NM_001171942.2); short protein forms S307P, S218P.
Identifiers: ClinVar variation 4620919 (VCV004620919.1).

ClinVar aggregate classification (germline): Uncertain significance (1 of 4 stars; one submission).

Conditions:
Inborn genetic diseases. Identifiers: MedGen C0950123, MeSH D030342.

gnomAD v4.1: 1 of 1,171,926 alleles (0.000085%); highest among the groups gnomAD compares: Non-Finnish European, 0.00012%; no homozygotes.

Submission:

Ambry Genetics
Classification: Uncertain significance for Inborn genetic diseases. Last evaluated: 2025-11-24. Review status: criteria provided, single submitter. Criteria: Ambry Variant Classification Scheme 2023. Collection method: clinical testing. Allele origin: germline.
Comment: The c.919T>C (p.S307P) alteration is located in exon 7 (coding exon 7) of the GLRA2 gene. This alteration results from a T to C substitution at nucleotide position 919, causing the serine (S) at amino acid position 307 to be replaced by a proline (P). This variant was not reported in population-based cohorts in the Genome Aggregation Database (gnomAD). This amino acid position is highly conserved in available vertebrate species. This missense alteration is located in a region that has a low rate of benign missense variation (Lek, 2016; Firth, 2009). This alteration is predicted to be deleterious by in silico analysis. Based on insufficient or conflicting evidence, the clinical significance of this alteration remains unclear.